The following is an entry in ClinVar:

ClinVar aggregate classification (germline): Uncertain significance. Review status: criteria provided, multiple submitters, no conflicts (2 of 4 stars). 2 submissions from 2 submitters: Uncertain significance (2). Last evaluated 2023-06-05.

Allele frequency attached by ClinVar (database versions not stated): gnomAD exomes below 0.00001; ExAC 0.00001.
gnomAD v4.1: 2 of 1,614,022 alleles (0.00012%); highest among the groups gnomAD compares: Non-Finnish European, 0.00017%; no homozygotes.

Submissions (2):

Labcorp Genetics (formerly Invitae), Labcorp
Classification: Uncertain significance. Last evaluated: 2023-06-05. Review status: criteria provided, single submitter. Criteria: Invitae Variant Classification Sherloc (09022015). Collection method: clinical testing. Allele origin: germline.
Comment: ClinVar contains an entry for this variant (Variation ID: 586054). In summary, the available evidence is currently insufficient to determine the role of this variant in disease. Therefore, it has been classified as a Variant of Uncertain Significance. Advanced modeling of protein sequence and biophysical properties (such as structural, functional, and spatial information, amino acid conservation, physicochemical variation, residue mobility, and thermodynamic stability) performed at Invitae indicates that this missense variant is not expected to disrupt ITPR1 protein function. This variant has not been reported in the literature in individuals affected with ITPR1-related conditions. This variant is present in population databases (rs753499808, gnomAD 0.0009%). This sequence change replaces threonine, which is neutral and polar, with alanine, which is neutral and non-polar, at codon 2285 of the ITPR1 protein (p.Thr2285Ala).

Athena Diagnostics
Classification: Uncertain significance. Last evaluated: 2021-01-20. Review status: criteria provided, single submitter. Criteria: Athena Diagnostics criteria. Collection method: clinical testing. Allele origin: unknown.

NM_001378452.1(ITPR1):c.7042A>G (p.Thr2348Ala)

Gene: ITPR1 (inositol 1,4,5-trisphosphate receptor type 1; plus strand). Cytogenetic location: 3p26.1.
Variant type: single nucleotide variant.
Coding change: c.7042A>G on transcript NM_001378452.1 (MANE Select); coding-DNA position 7042, A replaced by G.
Protein change: p.Thr2348Ala; replaces threonine 2348 with alanine.
Molecular consequence: missense variant.
Genome position (GRCh38, 1-based): chr3:4,800,535, A>G. VCF-style: chr3-4800535-A-G. GRCh37 (hg19) VCF-style: chr3-4842219-A-G.
Other names: c.6898A>G, p.Thr2300Ala (NM_001099952.4); c.6997A>G, p.Thr2333Ala (NM_001168272.2); c.6853A>G, p.Thr2285Ala (NM_002222.7); short protein forms T2333A, T2300A, T2285A, T2348A.
Identifiers: ClinVar variation 586054 (VCV000586054.5), dbSNP rs753499808, ClinGen allele CA2232763.